The following is an entry in ClinVar:

ClinVar aggregate classification (germline): Uncertain significance. Review status: criteria provided, multiple submitters, no conflicts (2 of 4 stars). 2 submissions from 2 submitters: Uncertain significance (2). Last evaluated 2023-05-03.

Conditions:
Inborn genetic diseases. Identifiers: MedGen C0950123, MeSH D030342.

Allele frequency attached by ClinVar (database versions not stated): ExAC 0.00003.
gnomAD v4.1: 10 of 1,207,284 alleles (0.00083%); highest among the groups gnomAD compares: East Asian, 0.012%; no homozygotes.

Submissions (2):

Ambry Genetics
Classification: Uncertain significance for Inborn genetic diseases. Last evaluated: 2023-05-03. Review status: criteria provided, single submitter. Criteria: Ambry Variant Classification Scheme 2023. Collection method: clinical testing. Allele origin: germline.

Labcorp Genetics (formerly Invitae), Labcorp
Classification: Uncertain significance. Last evaluated: 2022-01-17. Review status: criteria provided, single submitter. Criteria: Invitae Variant Classification Sherloc (09022015). Collection method: clinical testing. Allele origin: germline.
Comment: In summary, the available evidence is currently insufficient to determine the role of this variant in disease. Therefore, it has been classified as a Variant of Uncertain Significance. Algorithms developed to predict the effect of missense changes on protein structure and function (SIFT, PolyPhen-2, Align-GVGD) all suggest that this variant is likely to be tolerated. This variant has not been reported in the literature in individuals affected with PQBP1-related conditions. This variant is present in population databases (rs782495605, gnomAD 0.008%). This sequence change replaces arginine, which is basic and polar, with serine, which is neutral and polar, at codon 153 of the PQBP1 protein (p.Arg153Ser).

NM_001032382.2(PQBP1):c.459A>C (p.Arg153Ser)

Gene: PQBP1 (polyglutamine binding protein 1; plus strand). Cytogenetic location: Xp11.23.
Variant type: single nucleotide variant.
Coding change: c.459A>C on transcript NM_001032382.2 (MANE Select); coding-DNA position 459, A replaced by C.
Protein change: p.Arg153Ser; replaces arginine 153 with serine.
Molecular consequence: missense variant. On other transcripts: intron variant (2).
Genome position (GRCh38, 1-based): chrX:48,902,399, A>C. VCF-style: chrX-48902399-A-C. GRCh37 (hg19) VCF-style: chrX-48759676-A-C.
Other names: c.459A>C, p.Arg153Ser (NM_001032381.2, NM_001032383.2, NM_001032384.1 and 2 more transcripts); c.435A>C, p.Arg145Ser (NM_001167990.2); c.293-333A>C (NM_144495.3); c.202-43A>C (NM_001167992.1); short protein forms R145S, R153S.
Identifiers: ClinVar variation 1949056 (VCV001949056.7), dbSNP rs782495605, ClinGen allele CA10405924.